The following is an entry in ClinVar:

NC_000007.13:g.(117243837_117246727)_(117250724_117251634)dup

Gene: CFTR (CF transmembrane conductance regulator; plus strand). Cytogenetic location: 7q31.2.
Variant type: Duplication.
Identifiers: ClinVar variation 3336326 (VCV003336326.1).

ClinVar aggregate classification (germline): Uncertain significance (1 of 4 stars; one submission).

Submission:

Women's Health and Genetics/Laboratory Corporation of America, LabCorp
Classification: Uncertain significance. Last evaluated: 2024-05-28. Review status: criteria provided, single submitter. Criteria: LabCorp Variant Classification Summary - May 2015. Collection method: clinical testing. Allele origin: germline.
Comment: Variant summary: The variant involves the duplication of exons 18-19 in the CFTR gene. A presumed nomenclature of c.(2908+1_2909-1)_(3139+1_3140-1)dup has been designated for the purposes of this classification. It is assumed to be a tandem duplication in direct orientation (PMIDs: 25640679, 30054569). This Copy Number Variant (CNV) is predicted to result in an in-frame duplication within this gene. The variant was absent in 21694 control chromosomes (gnomAD SVs database v2). The available data on variant occurrences in the general population are insufficient to allow any conclusion about variant significance. c.(2908+1_2909-1)_(3139+1_3140-1)dup has been reported in the literature in one individual affected with Cystic Fibrosis (Ahting_2023). These data do not allow any conclusion about variant significance. To our knowledge, no experimental evidence demonstrating an impact on protein function has been reported. The following publication has been ascertained in the context of this evaluation (PMID: 37867076). No submitters have cited clinical-significance assessments for this variant to ClinVar. Based on the evidence outlined above, the variant was classified as uncertain significance.

Literature cited by the submitters: PubMed 37867076.